The following is an entry in ClinVar:

NM_001079866.2(BCS1L):c.126A>G (p.Ala42=)

Gene: BCS1L (BCS1 ubiquinol-cytochrome c reductase complex chaperone; plus strand). Cytogenetic location: 2q35.
Variant type: single nucleotide variant.
Coding change: c.126A>G on transcript NM_001079866.2 (MANE Select); coding-DNA position 126, A replaced by G.
Protein change: p.Ala42=; no amino-acid change (alanine 42 retained).
Molecular consequence: synonymous variant. On other transcripts: 5 prime UTR variant (5), non-coding transcript variant (1), intron variant (3).
Genome position (GRCh38, 1-based): chr2:218,661,113, A>G. VCF-style: chr2-218661113-A-G. GRCh37 (hg19) VCF-style: chr2-219525836-A-G.
Other names: p.A42A:GCA>GCG; c.126A>G, p.Ala42= (NM_001257342.2, NM_001257343.2, NM_001257344.2 and 10 more transcripts); c.-351A>G (NM_001371453.1, NM_001371454.1, NM_001371455.1 and 2 more transcripts); c.-40-293A>G (NM_001371451.1, NM_001318836.2); c.-41-646A>G (NM_001371452.1).
Identifiers: ClinVar variation 214156 (VCV000214156.41), dbSNP rs144200704, ClinGen allele CA325107.

ClinVar aggregate classification (germline): Conflicting classifications of pathogenicity. Review status: criteria provided, conflicting classifications (1 of 4 stars). 8 submissions from 6 submitters: Uncertain significance (3); Benign (1); Likely benign (4). Last evaluated 2026-08-01.

Conditions:
Leigh syndrome (NULS). Also called: Leigh Disease; Subacute necrotizing encephalopathy; Necrotizing encephalopathy infantile subacute of Leigh; Leigh's syndrome; LEIGH SYNDROME, NUCLEAR; Leigh Syndrome (mtDNA deletion). Identifiers: Orphanet 506, MedGen C2931891, MONDO:0009723, OMIM 256000.
GRACILE syndrome (FLNMS). Also called: FELLMAN SYNDROME; FINNISH LETHAL NEONATAL METABOLIC SYNDROME. Identifiers: Orphanet 53693, MedGen C1864002, MONDO:0011308, OMIM 603358.
Mitochondrial complex III deficiency nuclear type 1. Identifiers: Orphanet 254902, MedGen C3541471, MONDO:0007415, OMIM 124000.

Allele frequency attached by ClinVar (database versions not stated): TOPMed 0.00026; ExAC 0.00028; gnomAD exomes 0.00031 and 0.00039; gnomAD 0.00037 and 0.00039; ESP Exome Variant Server 0.00038.
gnomAD v4.1: 605 of 1,614,088 alleles (0.037%); highest among the groups gnomAD compares: Non-Finnish European, 0.047%; 1 homozygote.

Submissions (8):

CeGaT Center for Human Genetics Tuebingen
Classification: Likely benign. Last evaluated: 2026-08-01. Review status: criteria provided, single submitter. Criteria: CeGaT Center For Human Genetics Tuebingen Variant Classification Criteria Version 2. Collection method: clinical testing. Allele origin: germline. Affected: yes. Observed: 11 variant alleles.
Comment: BCS1L: BP4, BP7

Labcorp Genetics (formerly Invitae), Labcorp
Classification: Likely benign. Last evaluated: 2026-01-24. Review status: criteria provided, single submitter. Criteria: Invitae Variant Classification Sherloc (09022015). Collection method: clinical testing. Allele origin: germline.

Laboratory of Genetics, Children's Clinical University Hospital Latvia
Classification: Likely benign. Last evaluated: 2025-02-16. Review status: criteria provided, single submitter. Criteria: ACMG Guidelines, 2015. Collection method: clinical testing. Allele origin: germline. Affected: yes.

Blueprint Genetics
Classification: Likely benign. Last evaluated: 2024-10-21. Review status: criteria provided, single submitter. Criteria: ACMG Guidelines, 2015. Collection method: clinical testing. Allele origin: germline.

Illumina Laboratory Services, Illumina
Classification: Uncertain significance for Mitochondrial complex III deficiency nuclear type 1. Last evaluated: 2018-01-13. Review status: criteria provided, single submitter. Criteria: ICSL Variant Classification Criteria 13 December 2019. Collection method: clinical testing. Allele origin: germline.

Illumina Laboratory Services, Illumina
Classification: Uncertain significance for Leigh syndrome. Last evaluated: 2018-01-13. Review status: criteria provided, single submitter. Criteria: ICSL Variant Classification Criteria 13 December 2019. Collection method: clinical testing. Allele origin: germline.

Illumina Laboratory Services, Illumina
Classification: Uncertain significance for GRACILE syndrome. Last evaluated: 2018-01-13. Review status: criteria provided, single submitter. Criteria: ICSL Variant Classification Criteria 13 December 2019. Collection method: clinical testing. Allele origin: germline.

GeneDx
Classification: Benign. Last evaluated: 2014-06-13. Review status: criteria provided, single submitter. Criteria: GeneDx Variant Classification (06012015). Collection method: clinical testing. Allele origin: germline. Affected: yes.
Comment: This variant is considered likely benign or benign based on one or more of the following criteria: it is a conservative change, it occurs at a poorly conserved position in the protein, it is predicted to be benign by multiple in silico algorithms, and/or has population frequency not consistent with disease.